The following is an entry in ClinVar:

ClinVar aggregate classification (germline): Pathogenic (1 of 4 stars; one submission).

Conditions:
Familial adenomatous polyposis 1 (FAP1). Also called: FAMILIAL ADENOMATOUS POLYPOSIS 1, ATTENUATED; POLYPOSIS, ADENOMATOUS INTESTINAL. Identifiers: MedGen C2713442, MONDO:0021056, OMIM 175100. Disease mechanism: loss of function.

Submission:

Labcorp Genetics (formerly Invitae), Labcorp
Classification: Pathogenic for Familial adenomatous polyposis 1. Last evaluated: 2020-11-01. Review status: criteria provided, single submitter. Criteria: Invitae Variant Classification Sherloc (09022015). Collection method: clinical testing. Allele origin: germline.
Comment: This variant is not present in population databases (ExAC no frequency). This sequence change creates a premature translational stop signal (p.Glu1149*) in the APC gene. While this is not anticipated to result in nonsense mediated decay, it is expected to disrupt the last 1695 amino acid(s) of the APC protein. This nonsense change has been observed in individual(s) with familial adenomatous polyposis (PMID: 20685668). This variant is expected to disrupt the EB1 and HDLG binding sites, which mediate interactions with the cytoskeleton (PMID: 15311282, 17293347). While functional studies have not been performed to directly test the effect on APC protein function, this suggests that disruption of the C-terminal portion of the protein is functionally important. For these reasons, this variant has been classified as Pathogenic. A different truncation (p.Tyr2645Lysfs*14) that lies downstream of this variant has been determined to be pathogenic (PMID: 9824584, 1316610, 27081525, 8381579, 22135120, Invitae). This suggests that deletion of this region of the APC protein is causative of disease.

Literature cited by the submitters: PubMed 20685668; PubMed 15311282; PubMed 17293347; PubMed 9824584; PubMed 1316610; PubMed 27081525; PubMed 8381579; PubMed 22135120.

NM_000038.6(APC):c.3445G>T (p.Glu1149Ter)

Gene: APC (APC regulator of Wnt signaling pathway; plus strand). Cytogenetic location: 5q22.2.
Variant type: single nucleotide variant.
Coding change: c.3445G>T on transcript NM_000038.6 (MANE Select); coding-DNA position 3445, G replaced by T.
Protein change: p.Glu1149Ter; replaces glutamic acid 1149 with a stop codon.
Molecular consequence: nonsense.
Genome position (GRCh38, 1-based): chr5:112,839,039, G>T. VCF-style: chr5-112839039-G-T. GRCh37 (hg19) VCF-style: chr5-112174736-G-T.
Other names: c.3445G>T, p.Glu1149Ter (NM_001127510.3, NM_001354895.2); c.3391G>T, p.Glu1131Ter (NM_001127511.3); c.3499G>T, p.Glu1167Ter (NM_001354896.2); c.3475G>T, p.Glu1159Ter (NM_001354897.2); c.3370G>T, p.Glu1124Ter (NM_001354898.2); c.3361G>T, p.Glu1121Ter (NM_001354899.2); c.3322G>T, p.Glu1108Ter (NM_001354900.2); c.3268G>T, p.Glu1090Ter (NM_001354901.2); and 5 more; short protein forms E1058*, E1090*, E1124*, E1167*, E866*, E1048*, E1108*, E1159*.
Identifiers: ClinVar variation 1401969 (VCV001401969.8), dbSNP rs371117193, ClinGen allele CA16028885.